The following is an entry in ClinVar:

NM_001374385.1(ATP8B1):c.2337C>T (p.Tyr779=)

Genes: ATP8B1 (ATPase phospholipid transporting 8B1; minus strand), ATP8B1-AS1 (ATP8B1 antisense RNA 1; plus strand). Cytogenetic location: 18q21.31.
Variant type: single nucleotide variant.
Coding change: c.2337C>T on transcript NM_001374385.1 (MANE Select); coding-DNA position 2337, C replaced by T.
Protein change: p.Tyr779=; no amino-acid change (tyrosine 779 retained).
Molecular consequence: synonymous variant.
Genome position (GRCh38, 1-based): chr18:57,662,564, G>A on the plus strand (C>T on the coding strand, the complement: ATP8B1 is on the minus strand). VCF-style: chr18-57662564-G-A. GRCh37 (hg19) VCF-style: chr18-55329796-G-A.
Other names: c.2187C>T, p.Tyr729= (NM_001374386.1); c.2337C>T, p.Tyr779= (NM_005603.6).
Identifiers: ClinVar variation 510973 (VCV000510973.10), dbSNP rs764863689, ClinGen allele CA8974280.

ClinVar aggregate classification (germline): Conflicting classifications of pathogenicity. Review status: criteria provided, conflicting classifications (1 of 4 stars). 4 submissions from 4 submitters: Uncertain significance (1); Likely benign (2). 1 of the submissions does not count toward it. Last evaluated 2024-03-06.

Conditions:
ATP8B1-related disorder. Also called: ATP8B1-related condition; ATP8B1-related disorders.

Allele frequency attached by ClinVar (database versions not stated): gnomAD 0.00013 and 0.00014; TOPMed 0.00015; ExAC 0.00017; gnomAD exomes 0.00017 and 0.00020.
gnomAD v4.1: 306 of 1,614,094 alleles (0.019%); highest among the groups gnomAD compares: Non-Finnish European, 0.023%; no homozygotes.

Submissions (4):

Labcorp Genetics (formerly Invitae), Labcorp
Classification: Likely benign. Last evaluated: 2024-03-06. Review status: criteria provided, single submitter. Criteria: Invitae Variant Classification Sherloc (09022015). Collection method: clinical testing. Allele origin: germline.

Eurofins Ntd Llc (ga)
Classification: Uncertain significance. Last evaluated: 2018-08-27. Review status: criteria provided, single submitter. Criteria: EGL ClinVar v180209 classification definitions. Collection method: clinical testing. Allele origin: germline. Observed: 1 variant allele, 1 heterozygote.

GeneDx
Classification: Likely benign. Last evaluated: 2018-02-07. Review status: criteria provided, single submitter. Criteria: GeneDx Variant Classification (06012015). Collection method: clinical testing. Allele origin: germline. Affected: yes.
Comment: This variant is considered likely benign or benign based on one or more of the following criteria: it is a conservative change, it occurs at a poorly conserved position in the protein, it is predicted to be benign by multiple in silico algorithms, and/or has population frequency not consistent with disease.

PreventionGenetics, part of Exact Sciences
Classification: Likely benign for ATP8B1-related condition. Last evaluated: 2021-07-21. Review status: no assertion criteria provided. Collection method: clinical testing. Allele origin: germline. Not counted in ClinVar's aggregate classification.
Comment: This variant is classified as likely benign based on ACMG/AMP sequence variant interpretation guidelines (Richards et al. 2015 PMID: 25741868, with internal and published modifications).